The following is an entry in ClinVar:

ClinVar aggregate classification (germline): Uncertain significance (1 of 4 stars; one submission).

Submission:

GeneDx
Classification: Uncertain significance. Last evaluated: 2020-10-22. Review status: criteria provided, single submitter. Criteria: GeneDx Variant Classification Process June 2021. Collection method: clinical testing. Allele origin: germline. Affected: yes.
Comment: Has not been previously published as pathogenic or benign to our knowledge; Not observed in large population cohorts (Lek et al., 2016); In silico analysis supports that this missense variant has a deleterious effect on protein structure/function

NM_174934.4(SCN4B):c.679A>G (p.Lys227Glu)

Gene: SCN4B (sodium voltage-gated channel beta subunit 4; minus strand). Cytogenetic location: 11q23.3.
Variant type: single nucleotide variant.
Coding change: c.679A>G on transcript NM_174934.4 (MANE Select); coding-DNA position 679, A replaced by G.
Protein change: p.Lys227Glu; replaces lysine 227 with glutamic acid.
Molecular consequence: missense variant. On other transcripts: non-coding transcript variant (1).
Genome position (GRCh38, 1-based): chr11:118,137,035, T>C on the plus strand (A>G on the coding strand, the complement: SCN4B is on the minus strand). VCF-style: chr11-118137035-T-C. GRCh37 (hg19) VCF-style: chr11-118007750-T-C.
Other names: c.277A>G, p.Lys93Glu (NM_001142348.2); c.349A>G, p.Lys117Glu (NM_001142349.2); short protein forms K117E, K227E, K93E.
Identifiers: ClinVar variation 1212250 (VCV001212250.3), dbSNP rs1555096401, ClinGen allele CA382776461.
Genomic context (GRCh38, chr11:118,137,035, plus strand): 5'-GTTTCATCATCAGAAAGGGGGCTCCCTGCAGCTGCTCAGCCCGAAGCAGGGCTCACACTT[T>C]TGAAGGTGGTTTCTCCTCTGCCTTGGAGCCAGGCAAGCCGTTCTCCGTGTTGTCATTCCC-3'
Protein context (NP_777594.1, residues 217-228): GSKAEEKPPS[Lys227Glu]V